The following is an entry in ClinVar:

NM_001367721.1(CASK):c.2521G>A (p.Ala841Thr)

Gene: CASK (calcium/calmodulin dependent serine protein kinase; minus strand). Cytogenetic location: Xp11.4.
Variant type: single nucleotide variant.
Coding change: c.2521G>A on transcript NM_001367721.1 (MANE Select); coding-DNA position 2521, G replaced by A.
Protein change: p.Ala841Thr; replaces alanine 841 with threonine.
Molecular consequence: missense variant.
Genome position (GRCh38, 1-based): chrX:41,524,034, C>T on the plus strand (G>A on the coding strand, the complement: CASK is on the minus strand). VCF-style: chrX-41524034-C-T. GRCh37 (hg19) VCF-style: chrX-41383287-C-T.
Other names: c.2437G>A, p.Ala813Thr (NM_001126054.3); c.2434G>A, p.Ala812Thr (NM_001126055.3); c.2503G>A, p.Ala835Thr (NM_001410745.1); c.2506G>A, p.Ala836Thr (NM_003688.4); short protein forms A812T, A835T, A841T, A813T, A836T.
Identifiers: ClinVar variation 4728626 (VCV004728626.1).

ClinVar aggregate classification (germline): Uncertain significance (1 of 4 stars; one submission).

Conditions:
Intellectual disability, CASK-related, X-linked. Identifiers: MedGen CN043158.

Submission:

Labcorp Genetics (formerly Invitae), Labcorp
Classification: Uncertain significance for Intellectual disability, CASK-related, X-linked. Last evaluated: 2025-10-07. Review status: criteria provided, single submitter. Criteria: Invitae Variant Classification Sherloc (09022015). Collection method: clinical testing. Allele origin: germline.
Comment: This sequence change replaces alanine, which is neutral and non-polar, with threonine, which is neutral and polar, at codon 836 of the CASK protein (p.Ala836Thr). This variant is not present in population databases (gnomAD no frequency). This variant has not been reported in the literature in individuals affected with CASK-related conditions. An algorithm developed to predict the effect of missense changes on protein structure and function (PolyPhen-2) suggests that this variant is likely to be disruptive. In summary, the available evidence is currently insufficient to determine the role of this variant in disease. Therefore, it has been classified as a Variant of Uncertain Significance.